The following is an entry in ClinVar:

ClinVar aggregate classification (germline): Benign (3 of 4 stars; one submission).

Conditions:
Breast-ovarian cancer, familial, susceptibility to, 2 (BROVCA2). Also called: BRCA2 Hereditary Breast and Ovarian Cancer. Identifiers: Orphanet 145, MedGen C2675520, MONDO:0012933, OMIM 612555. Disease mechanism: loss of function.

Allele frequency attached by ClinVar (database versions not stated): ExAC below 0.00001; gnomAD 0.00135; gnomAD exomes 0.04252.

Submission:

Evidence-based Network for the Interpretation of Germline Mutant Alleles (ENIGMA)
Classification: Benign for Breast-ovarian cancer, familial 2. Last evaluated: 2015-01-12. Review status: reviewed by expert panel. Criteria: ENIGMA BRCA1/2 Classification Criteria (2015). Collection method: curation. Allele origin: germline.
Comment: Class 1 not pathogenic based on frequency >1% in an outbred sampleset. Frequency 0.1416 (Asian), 0.1118 (African), 0.1979 (European), derived from 1000 genomes (2012-04-30).

NM_000059.4(BRCA2):c.9502-934T>C

Gene: BRCA2 (BRCA2 DNA repair associated; plus strand). Cytogenetic location: 13q13.1.
Variant type: single nucleotide variant.
Coding change: c.9502-934T>C on transcript NM_000059.4 (MANE Select); 934 bases into the intron before coding-DNA position 9502, T replaced by C.
Molecular consequence: intron variant.
Genome position (GRCh38, 1-based): chr13:32,395,964, T>C. VCF-style: chr13-32395964-T-C. GRCh37 (hg19) VCF-style: chr13-32970101-T-C.
Other names: IVS 25-934T>C.
Identifiers: ClinVar variation 209914 (VCV000209914.1), dbSNP rs112007429, ClinGen allele CA276882.